The following is an entry in ClinVar:

ClinVar aggregate classification (germline): Uncertain significance. Review status: criteria provided, multiple submitters, no conflicts (2 of 4 stars). 2 submissions from 2 submitters: Uncertain significance (2). Last evaluated 2023-12-21.

Conditions:
Emery-Dreifuss muscular dystrophy 5, autosomal dominant (EDMD5). Also called: EMERY-DREIFUSS MUSCULAR DYSTROPHY 5. Identifiers: Orphanet 261, MedGen C2751805, MONDO:0013072, OMIM 612999.

Allele frequency attached by ClinVar (database versions not stated): gnomAD exomes below 0.00001 and 0.00001; TOPMed 0.00001; gnomAD 0.00003.
gnomAD v4.1: 12 of 1,614,014 alleles (0.00074%); highest among the groups gnomAD compares: Non-Finnish European, 0.001%; no homozygotes.

Submissions (2):

Ambry Genetics
Classification: Uncertain significance. Last evaluated: 2023-12-21. Review status: criteria provided, single submitter. Criteria: Ambry Variant Classification Scheme 2023. Collection method: clinical testing. Allele origin: germline.

Labcorp Genetics (formerly Invitae), Labcorp
Classification: Uncertain significance for Emery-Dreifuss muscular dystrophy 5, autosomal dominant. Last evaluated: 2023-08-11. Review status: criteria provided, single submitter. Criteria: Invitae Variant Classification Sherloc (09022015). Collection method: clinical testing. Allele origin: germline.
Comment: In summary, the available evidence is currently insufficient to determine the role of this variant in disease. Therefore, it has been classified as a Variant of Uncertain Significance. Algorithms developed to predict the effect of missense changes on protein structure and function output the following: SIFT: "Not Available"; PolyPhen-2: "Benign"; Align-GVGD: "Not Available". The cysteine amino acid residue is found in multiple mammalian species, which suggests that this missense change does not adversely affect protein function. ClinVar contains an entry for this variant (Variation ID: 1465040). This variant has not been reported in the literature in individuals affected with SYNE2-related conditions. This variant is present in population databases (no rsID available, gnomAD 0.007%). This sequence change replaces tyrosine, which is neutral and polar, with cysteine, which is neutral and slightly polar, at codon 4557 of the SYNE2 protein (p.Tyr4557Cys).

NM_182914.3(SYNE2):c.13670A>G (p.Tyr4557Cys)

Gene: SYNE2 (spectrin repeat containing nuclear envelope protein 2; plus strand). Cytogenetic location: 14q23.2.
Variant type: single nucleotide variant.
Coding change: c.13670A>G on transcript NM_182914.3 (MANE Select); coding-DNA position 13670, A replaced by G.
Protein change: p.Tyr4557Cys; replaces tyrosine 4557 with cysteine.
Molecular consequence: missense variant.
Genome position (GRCh38, 1-based): chr14:64,126,442, A>G. VCF-style: chr14-64126442-A-G. GRCh37 (hg19) VCF-style: chr14-64593160-A-G.
Other names: c.13670A>G (NM_182914.2); c.13670A>G, p.Tyr4557Cys (NM_015180.6); short protein forms Y4557C.
Identifiers: ClinVar variation 1465040 (VCV001465040.9), dbSNP rs1215002631, ClinGen allele CA389970657.